The following is an entry in ClinVar:

ClinVar aggregate classification (germline): Uncertain significance (1 of 4 stars; one submission).

Conditions:
Hypertrophic cardiomyopathy. Also called: HYPERTROPHIC MYOCARDIOPATHY. Identifiers: Orphanet 217569, MedGen C0007194, MeSH D002312, MONDO:0005045, HP:0001639.

Submission:

Labcorp Genetics (formerly Invitae), Labcorp
Classification: Uncertain significance for Hypertrophic cardiomyopathy. Last evaluated: 2025-07-29. Review status: criteria provided, single submitter. Criteria: Invitae Variant Classification Sherloc (09022015). Collection method: clinical testing. Allele origin: germline.
Comment: This sequence change replaces arginine, which is basic and polar, with lysine, which is basic and polar, at codon 1858 of the MYH7 protein (p.Arg1858Lys). This variant is not present in population databases (gnomAD no frequency). This variant has not been reported in the literature in individuals affected with MYH7-related conditions. Invitae Evidence Modeling of protein sequence and biophysical properties (such as structural, functional, and spatial information, amino acid conservation, physicochemical variation, residue mobility, and thermodynamic stability) indicates that this missense variant is not expected to disrupt MYH7 protein function with a negative predictive value of 95%. In summary, the available evidence is currently insufficient to determine the role of this variant in disease. Therefore, it has been classified as a Variant of Uncertain Significance.

NM_000257.4(MYH7):c.5573G>A (p.Arg1858Lys)

Gene: MYH7 (myosin heavy chain 7; minus strand). Cytogenetic location: 14q11.2.
Variant type: single nucleotide variant.
Coding change: c.5573G>A on transcript NM_000257.4 (MANE Select); coding-DNA position 5573, G replaced by A.
Protein change: p.Arg1858Lys; replaces arginine 1858 with lysine.
Molecular consequence: missense variant.
Genome position (GRCh38, 1-based): chr14:23,414,089, C>T on the plus strand (G>A on the coding strand, the complement: MYH7 is on the minus strand). VCF-style: chr14-23414089-C-T. GRCh37 (hg19) VCF-style: chr14-23883298-C-T.
Other names: c.5573G>A, p.Arg1858Lys (NM_001407004.1); short protein forms R1858K.
Identifiers: ClinVar variation 4811871 (VCV004811871.1).
Genomic context (GRCh38, chr14:23,414,089, plus strand): 5'-TAGGCCTTGACCTTTAGCTGCAGCTTGTCTACCAGGTCCTGCAGCCGCAGCAGGTTTTTC[C>T]TGTCCTCCTCCGTCTGGGGGCCAGAGGGTAGGCAGGGGGTGAAGATGGCACAGTCATAGA-3'
Protein context (NP_000248.2, residues 1848-1868): KELTYQTEED[Arg1858Lys]KNLLRLQDLV